The following is an entry in ClinVar:

ClinVar aggregate classification (germline): Likely pathogenic (1 of 4 stars; one submission).

Conditions:
Pitt-Hopkins syndrome (PTHS). Also called: ENCEPHALOPATHY, SEVERE EPILEPTIC, WITH AUTONOMIC DYSFUNCTION; MENTAL RETARDATION, SYNDROMAL, WITH INTERMITTENT HYPERVENTILATION. Identifiers: Orphanet 2896, MedGen C1970431, MONDO:0012589, OMIM 610954.

Submission:

Illumina Laboratory Services, Illumina
Classification: Likely pathogenic for Pitt-Hopkins syndrome. Last evaluated: 2021-01-07. Review status: criteria provided, single submitter. Criteria: ICSLVariantClassificationCriteria RUGD 01 April 2020. Collection method: clinical testing. Allele origin: unknown.
Comment: The TCF4 c.1486+5G>T variant is a splice region variant. A literature search was performed for the gene and cDNA change. No publications were found based on this search. This variant is not found in the Genome Aggregation Database in a region of good sequencing coverage, so the variant is presumed to be rare. Based on the identification of the variant in a de novo state, its rarity, and application of ACMG criteria, the c.1486+5G>T variant is classified as likely pathogenic for Pitt-Hopkins syndrome.

NM_001083962.2(TCF4):c.1486+5G>T

Gene: TCF4 (transcription factor 4; minus strand). Cytogenetic location: 18q21.2.
Variant type: single nucleotide variant.
Coding change: c.1486+5G>T on transcript NM_001083962.2 (MANE Select); 5 bases into the intron after coding-DNA position 1486, G replaced by T.
Molecular consequence: intron variant.
Genome position (GRCh38, 1-based): chr18:55,234,543, C>A on the plus strand (G>T on the coding strand, the complement: TCF4 is on the minus strand). VCF-style: chr18-55234543-C-A. GRCh37 (hg19) VCF-style: chr18-52901774-C-A.
Other names: c.1096+5G>T (NM_001243233.2, NM_001330605.3, NM_001348212.2 and 1 more transcripts); c.1003+5G>T (NM_001348214.2); c.1006+5G>T (NM_001243235.2, NM_001243234.2, NM_001243236.2 and 1 more transcripts); c.838+5G>T (NM_001348215.2); c.1411+5G>T (NM_001348220.1, NM_001369584.1, NM_001369576.1 and 6 more transcripts); c.1414+5G>T (NM_001306207.1, NM_001348217.1, NM_001369582.1 and 5 more transcripts); c.1273+5G>T (NM_001306208.1, NM_001243232.1); c.1792+5G>T (NM_001243226.3); and 6 more.
Identifiers: ClinVar variation 1199207 (VCV001199207.4), dbSNP rs2144674947, ClinGen allele CA2499225226.